The following is an entry in ClinVar:

NM_005591.4(MRE11):c.1115G>A (p.Gly372Asp)

Gene: MRE11 (MRE11 double strand break repair nuclease; minus strand). Cytogenetic location: 11q21.
Variant type: single nucleotide variant.
Coding change: c.1115G>A on transcript NM_005591.4 (MANE Select); coding-DNA position 1115, G replaced by A.
Protein change: p.Gly372Asp; replaces glycine 372 with aspartic acid.
Molecular consequence: missense variant.
Genome position (GRCh38, 1-based): chr11:94,464,223, C>T on the plus strand (G>A on the coding strand, the complement: MRE11 is on the minus strand). VCF-style: chr11-94464223-C-T. GRCh37 (hg19) VCF-style: chr11-94197389-C-T.
Other names: c.1115G>A, p.Gly372Asp (NM_001330347.2, NM_005590.4); short protein forms G372D.
Identifiers: ClinVar variation 822207 (VCV000822207.4), dbSNP rs1591681256, ClinGen allele CA382373034.

ClinVar aggregate classification (germline): Uncertain significance (1 of 4 stars; one submission).

Conditions:
Hereditary cancer-predisposing syndrome. Also called: Tumor predisposition; Hereditary Cancer Syndrome; Neoplastic Syndromes, Hereditary; Hereditary neoplastic syndrome. Identifiers: Orphanet 140162, MedGen C0027672, MeSH D009386, MONDO:0015356.

Allele frequency attached by ClinVar (database versions not stated): gnomAD exomes 0.00001.
gnomAD v4.1: 5 of 1,613,894 alleles (0.00031%); highest among the groups gnomAD compares: Non-Finnish European, 0.00042%; no homozygotes.

Submission:

Ambry Genetics
Classification: Uncertain significance for Hereditary cancer-predisposing syndrome. Last evaluated: 2018-02-23. Review status: criteria provided, single submitter. Criteria: Ambry Variant Classification Scheme 2023. Collection method: clinical testing. Allele origin: germline.
Comment: The p.G372D variant (also known as c.1115G>A), located in coding exon 10 of the MRE11A gene, results from a G to A substitution at nucleotide position 1115. The glycine at codon 372 is replaced by aspartic acid, an amino acid with similar properties. This amino acid position is highly conserved in available vertebrate species. In addition, the in silico prediction for this alteration is inconclusive. Since supporting evidence is limited at this time, the clinical significance of this alteration remains unclear.